The following is an entry in ClinVar:

NC_000004.11:g.(?_2200251)_(5710240_?)del

Genes: ADRA2C (adrenoceptor alpha 2C; plus strand), CYTL1 (cytokine like 1; minus strand), NOP14 (NOP14 nucleolar protein; minus strand), NSG1 (neuronal vesicle trafficking associated 1; plus strand), OTOP1 (otopetrin 1; minus strand) and 25 more. Cytogenetic location: 4p16.3-16.2.
Variant type: Deletion.
Identifiers: ClinVar variation 1073308 (VCV001073308.2).

ClinVar aggregate classification (germline): Pathogenic (1 of 4 stars; one submission).

Conditions:
Curry-Hall syndrome (WAD). Also called: WEYERS ACRODENTAL DYSOSTOSIS. Identifiers: Orphanet 952, MedGen C0457013, MONDO:0008673, OMIM 193530.
Ellis-van Creveld syndrome (EVC). Also called: Chondroectodermal dysplasia; MESOECTODERMAL DYSPLASIA; EVC-Related Ellis-van Creveld Syndrome; EVC2-Related Ellis-van Creveld Syndrome. Identifiers: Orphanet 289, MedGen C0013903, MONDO:0009162, OMIM 225500.

Submission:

Labcorp Genetics (formerly Invitae), Labcorp
Classification: Pathogenic for Curry-Hall syndrome; Ellis-van Creveld syndrome. Last evaluated: 2020-07-17. Review status: criteria provided, single submitter. Criteria: Invitae Variant Classification Sherloc (09022015). Collection method: clinical testing. Allele origin: germline.
Comment: A gross deletion of the genomic region encompassing the full coding sequence of the EVC2 gene has been identified. The boundaries of this event are unknown as the deletion extends beyond the assayed region for this gene and therefore may encompass additional genes. Isolated whole-gene deletions of EVC2 have not been reported in the literature. However, larger copy number events that include this gene have been reported (PMID: 25174843, 18454448). Loss-of-function variants in EVC2 are known to be pathogenic (PMID: 17024374, 19810119, 19876929). For these reasons, this variant has been classified as Pathogenic.

Literature cited by the submitters: PubMed 25174843; PubMed 18454448; PubMed 17024374; PubMed 19810119; PubMed 19876929.